The following is an entry in ClinVar:

NM_006005.3(WFS1):c.1917G>A (p.Trp639Ter)

Gene: WFS1 (wolframin ER transmembrane glycoprotein; plus strand). Cytogenetic location: 4p16.1.
Variant type: single nucleotide variant.
Coding change: c.1917G>A on transcript NM_006005.3 (MANE Select); coding-DNA position 1917, G replaced by A.
Protein change: p.Trp639Ter; replaces tryptophan 639 with a stop codon.
Molecular consequence: nonsense.
Genome position (GRCh38, 1-based): chr4:6,301,712, G>A. VCF-style: chr4-6301712-G-A. GRCh37 (hg19) VCF-style: chr4-6303439-G-A.
Other names: c.1917G>A, p.Trp639Ter (NM_001145853.1); short protein forms W639*.
Identifiers: ClinVar variation 1707601 (VCV001707601.3), dbSNP rs2474195328, ClinGen allele CA356177099.

ClinVar aggregate classification (germline): Likely pathogenic (1 of 4 stars; one submission).

Conditions:
Wolfram syndrome 1 (WFS1). Identifiers: Orphanet 3463, MedGen C4551693, MONDO:0009101, OMIM 222300.

Submission:

Human Genome Lab, NIMHANS, National Institute of Mental Health and Neuro Sciences
Classification: Likely pathogenic for Wolfram syndrome 1. Last evaluated: 2022-08-23. Review status: criteria provided, single submitter. Criteria: ACMG Guidelines, 2015. Collection method: clinical testing. Allele origin: unknown. Inheritance: Autosomal recessive inheritance. Affected: yes. Observed: 1 homozygote.
Comment: The p.Trp639Ter variant in WFS1 has been observed in homozygous state in two affected siblings with clinically suspected Wolfram syndrome ( the siblings had young onset diabetes mellitus, optic atrophy and sensorineural hearing loss) which is an autosomal recessive disorder. The variant is novel (not observed in any individuals in 1KG, gnomAD and our inhouse database). The variant is predicted to cause loss of normal protein function through protein truncation. There are 23 downstream pathogenic loss of function variants, with the furthest variant being 249 residues downstream of this variant. This indicates that the region is critical to protein function. The p.Trp639Ter variant is a loss of function variant in the gene WFS1, which is intolerant of Loss of Function variants, as indicated by the presence of existing pathogenic loss of function variant NP_005996.2:p.N4Qfs*52 and 38 others. For these reasons, this variant has been classified as Likely Pathogenic.